The following is an entry in ClinVar:

NM_173076.3(ABCA12):c.4065T>C (p.Tyr1355=)

Gene: ABCA12 (ATP binding cassette subfamily A member 12; minus strand). Cytogenetic location: 2q35.
Variant type: single nucleotide variant.
Coding change: c.4065T>C on transcript NM_173076.3 (MANE Select); coding-DNA position 4065, T replaced by C.
Protein change: p.Tyr1355=; no amino-acid change (tyrosine 1355 retained).
Molecular consequence: synonymous variant. On other transcripts: non-coding transcript variant (1).
Genome position (GRCh38, 1-based): chr2:214,986,640, A>G on the plus strand (T>C on the coding strand, the complement: ABCA12 is on the minus strand). VCF-style: chr2-214986640-A-G. GRCh37 (hg19) VCF-style: chr2-215851364-A-G.
Other names: c.4065T>C (NM_173076.2); c.3111T>C, p.Tyr1037= (NM_015657.4).
Identifiers: ClinVar variation 2719213 (VCV002719213.5), dbSNP rs147774722, ClinGen allele CA2091549.
Genomic context (GRCh38, chr2:214,986,640, plus strand): 5'-TGAAGTAATATGCCCTTCATAAAAGTTCAGATTGAGGTTATCAACAGCAACTTTTGAGCC[A>G]TAGATCTTTGTGACCCCATGCAGGGCAACCCCGACTGTGAGATCTTTAGGTTCAGGCTCG-3'
Protein context (NP_775099.2, residues 1345-1365): GVALHGVTKI[Tyr1355=]GSKVAVDNLN

ClinVar aggregate classification (germline): Benign. Review status: criteria provided, single submitter (1 of 4 stars). 2 submissions from 2 submitters: Benign (1). 1 of the submissions does not count toward it. Last evaluated 2026-01-28.

Conditions:
ABCA12-related disorder. Also called: ABCA12-related condition.

Allele frequency attached by ClinVar (database versions not stated): ESP Exome Variant Server 0.00008; TOPMed 0.00005; gnomAD exomes 0.00001; ExAC 0.00004; gnomAD 0.00008.
gnomAD v4.1: 25 of 1,614,020 alleles (0.0015%); highest among the groups gnomAD compares: African/African-American, 0.028%; no homozygotes.

Submissions (2):

Labcorp Genetics (formerly Invitae), Labcorp
Classification: Benign. Last evaluated: 2026-01-28. Review status: criteria provided, single submitter. Criteria: Invitae Variant Classification Sherloc (09022015). Collection method: clinical testing. Allele origin: germline.

PreventionGenetics, part of Exact Sciences
Classification: Likely benign for ABCA12-related condition. Last evaluated: 2019-10-10. Review status: no assertion criteria provided. Collection method: clinical testing. Allele origin: germline. Not counted in ClinVar's aggregate classification.
Comment: This variant is classified as likely benign based on ACMG/AMP sequence variant interpretation guidelines (Richards et al. 2015 PMID: 25741868, with internal and published modifications).